The following is an entry in ClinVar:

NM_001288833.2(GGT1):c.127G>A (p.Val43Met)

Gene: GGT1 (gamma-glutamyltransferase 1; plus strand). Cytogenetic location: 22q11.23.
Variant type: single nucleotide variant.
Coding change: c.127G>A on transcript NM_001288833.2 (MANE Select); coding-DNA position 127, G replaced by A.
Protein change: p.Val43Met; replaces valine 43 with methionine.
Molecular consequence: missense variant.
Genome position (GRCh38, 1-based): chr22:24,611,208, G>A. VCF-style: chr22-24611208-G-A. GRCh37 (hg19) VCF-style: chr22-25007175-G-A.
Other names: c.127G>A, p.Val43Met (NM_013421.3, NM_013430.3); short protein forms V43M.
Identifiers: ClinVar variation 1029303 (VCV001029303.1), dbSNP rs751587531, ClinGen allele CA10154221.

ClinVar aggregate classification (germline): Uncertain significance (1 of 4 stars; one submission).

Conditions:
gamma-Glutamyltransferase deficiency. Also called: Gamma-glutamyl transpeptidase deficiency; GLUTATHIONURIA; GAMMA-GLUTAMYLTRANSPEPTIDASE DEFICIENCY; GGT DEFICIENCY; GTG DEFICIENCY; GGT1 deficiency. Identifiers: Orphanet 33573, MedGen C0268524, MONDO:0009285, OMIM 231950.

Allele frequency attached by ClinVar (database versions not stated): gnomAD exomes 0.00002 and 0.00003; TOPMed 0.00002; ExAC 0.00012.

Submission:

Baylor Genetics
Classification: Uncertain significance for gamma-Glutamyltransferase deficiency. Last evaluated: 2020-06-09. Review status: criteria provided, single submitter. Criteria: ACMG Guidelines, 2015. Collection method: clinical testing. Allele origin: unknown. Affected: yes.
Comment: This variant was determined to be of uncertain significance according to ACMG Guidelines, 2015 [PMID:25741868].